The following is an entry in ClinVar:

NM_000492.4(CFTR):c.2879del (p.Pro960fs)

Gene: CFTR (CF transmembrane conductance regulator; plus strand). Cytogenetic location: 7q31.2.
Variant type: Deletion.
Coding change: c.2879del on transcript NM_000492.4 (MANE Select); coding-DNA position 2879, one base deleted (C; older notation c.2879delC).
Protein change: p.Pro960fs; shifts the reading frame from proline 960.
Molecular consequence: frameshift variant.
Genome position (GRCh38, 1-based): chr7:117,603,753, C deleted; the last of 2 consecutive C bases (chr7:117,603,752-117,603,753); deleting either gives the same sequence. VCF-style (leftmost placement, unchanged base first): chr7-117603751-AC-A. GRCh37 (hg19) VCF-style: chr7-117243805-AC-A.
Other names: short protein forms P960fs.
Identifiers: ClinVar variation 4733345 (VCV004733345.1).

ClinVar aggregate classification (germline): Pathogenic (1 of 4 stars; one submission).

Conditions:
Cystic fibrosis (CF). Also called: MUCOVISCIDOSIS. Identifiers: Orphanet 586, MedGen C0010674, MONDO:0009061, OMIM 219700. Disease mechanism: loss of function.

Submission:

Labcorp Genetics (formerly Invitae), Labcorp
Classification: Pathogenic for Cystic fibrosis. Last evaluated: 2025-12-15. Review status: criteria provided, single submitter. Criteria: Invitae Variant Classification Sherloc (09022015). Collection method: clinical testing. Allele origin: germline.
Comment: This sequence change creates a premature translational stop signal (p.Pro960Leufs*8) in the CFTR gene. It is expected to result in an absent or disrupted protein product. Loss-of-function variants in CFTR are known to be pathogenic (PMID: 1695717, 7691345, 9725922). This variant is not present in population databases (gnomAD no frequency). This variant has not been reported in the literature in individuals affected with CFTR-related conditions. For these reasons, this variant has been classified as Pathogenic.

Literature cited by the submitters: PubMed 1695717; PubMed 7691345; PubMed 9725922.